The following is an entry in ClinVar:

NM_001370259.2(MEN1):c.74_88del (p.Ala25_Arg29del)

Gene: MEN1 (menin 1; minus strand). Cytogenetic location: 11q13.1.
Variant type: Deletion.
Coding change: c.74_88del on transcript NM_001370259.2 (MANE Select); coding-DNA positions 74 to 88, 15 bases deleted (CCGAGCTGGGCCGAG).
Protein change: p.Ala25_Arg29del.
Molecular consequence: inframe deletion. On other transcripts: non-coding transcript variant (4).
Genome position (GRCh38, 1-based): chr11:64,810,022-64,810,036, CTCGGCCCAGCTCGG deleted on the plus strand (CCGAGCTGGGCCGAG on the coding strand, the reverse complement: MEN1 is on the minus strand); deleting any 15 consecutive bases within chr11:64,810,022-64,810,037 gives the same sequence; the c. name uses the placement nearest the transcript's 3' end. VCF-style (leftmost placement, unchanged base first): chr11-64810021-TCTCGGCCCAGCTCGG-T. GRCh37 (hg19) VCF-style: chr11-64577493-TCTCGGCCCAGCTCGG-T.
Other names: c.74_88del, p.Ala25_Arg29del (NM_000244.4, NM_001370251.2, NM_001370260.2 and 20 more transcripts).
Identifiers: ClinVar variation 4820255 (VCV004820255.2).

ClinVar aggregate classification (germline): Likely pathogenic. Review status: criteria provided, multiple submitters, no conflicts (2 of 4 stars). 2 submissions from 2 submitters: Likely pathogenic (2). Last evaluated 2026-04-10.

Conditions:
Familial hyperparathyroidism or Hypocalciuric hypercalcaemia.
MEN1-related disorder. Also called: MEN1-related condition.

Submissions (2):

Cambridge Genomics Laboratory, East Genomic Laboratory Hub, NHS Genomic Medicine Service
Classification: Likely pathogenic for Familial hyperparathyroidism or Hypocalciuric hypercalcaemia. Last evaluated: 2026-04-10. Review status: criteria provided, single submitter. Criteria: ACGS Best Practice Guidelines for Variant Classification in Rare Disease 2020. Collection method: clinical testing. Allele origin: germline. Affected: yes.
Comment: PS4_Moderate,PM2,PM4,PP1

Blueprint Genetics
Classification: Likely pathogenic for MEN1-related disorders. Last evaluated: 2022-10-24. Review status: criteria provided, single submitter. Criteria: ACMG Guidelines, 2015. Collection method: clinical testing. Allele origin: germline. Affected: yes. Observed: 1 variant allele.